The following is an entry in ClinVar:

NM_004991.4(MECOM):c.382G>C (p.Asp128His)

Gene: MECOM (MDS1 and EVI1 complex locus; minus strand). Cytogenetic location: 3q26.2.
Variant type: single nucleotide variant.
Coding change: c.382G>C on transcript NM_004991.4 (MANE Select); coding-DNA position 382, G replaced by C.
Protein change: p.Asp128His; replaces aspartic acid 128 with histidine.
Molecular consequence: missense variant. On other transcripts: 5 prime UTR variant (12).
Genome position (GRCh38, 1-based): chr3:169,143,826, C>G on the plus strand (G>C on the coding strand, the complement: MECOM is on the minus strand). VCF-style: chr3-169143826-C-G. GRCh37 (hg19) VCF-style: chr3-168861614-C-G.
Other names: c.10G>C, p.Asp4His (NM_001105077.4); c.-183G>C (NM_001105078.4, NM_001163999.2, NM_001164000.2 and 9 more transcripts); c.382G>C, p.Asp128His (NM_001366466.2, NM_001366473.2); short protein forms D128H, D4H.
Identifiers: ClinVar variation 4105727 (VCV004105727.1).

ClinVar aggregate classification (germline): Uncertain significance (1 of 4 stars; one submission).

Conditions:
Inborn genetic diseases. Identifiers: MedGen C0950123, MeSH D030342.

gnomAD v4.1: 1 of 1,604,644 alleles (0.000062%); highest among the groups gnomAD compares: Middle Eastern, 0.017%; no homozygotes.

Submission:

Ambry Genetics
Classification: Uncertain significance for Inborn genetic diseases. Last evaluated: 2025-06-18. Review status: criteria provided, single submitter. Criteria: Ambry Variant Classification Scheme 2023. Collection method: clinical testing. Allele origin: germline.
Comment: The p.D128H variant (also known as c.382G>C), located in coding exon 3 of the MECOM gene, results from a G to C substitution at nucleotide position 382. The aspartic acid at codon 128 is replaced by histidine, an amino acid with similar properties. This amino acid position is conserved. In addition, this alteration is predicted to be tolerated by in silico analysis. Based on the available evidence, the clinical significance of this variant remains unclear.